The following is an entry in ClinVar:

NM_001195263.2(PDZD7):c.2336G>A (p.Arg779His)

Gene: PDZD7 (PDZ domain containing 7; minus strand). Cytogenetic location: 10q24.31.
Variant type: single nucleotide variant.
Coding change: c.2336G>A on transcript NM_001195263.2 (MANE Select); coding-DNA position 2336, G replaced by A.
Protein change: p.Arg779His; replaces arginine 779 with histidine.
Molecular consequence: missense variant.
Genome position (GRCh38, 1-based): chr10:101,010,553, C>T on the plus strand (G>A on the coding strand, the complement: PDZD7 is on the minus strand). VCF-style: chr10-101010553-C-T. GRCh37 (hg19) VCF-style: chr10-102770310-C-T.
Other names: short protein forms R779H.
Identifiers: ClinVar variation 858902 (VCV000858902.8), dbSNP rs564438989, ClinGen allele CA212978665.
Genomic context (GRCh38, chr10:101,010,553, plus strand): 5'-GGGGATGGGGAGCGTCTACCTGGAGACTTGCCTTGACCCCGGCTGCTGCGGCTGCGGCTG[C>T]GGCTACGGCTGCGGCTACGGCTCTGAGCCCGGCCCCGGATCTGGCTCTGCGGAGGGTGCT-3'
Protein context (NP_001182192.1, residues 769-789): RAQSRSRSRS[Arg779His]SRSRSSRGQG

ClinVar aggregate classification (germline): Uncertain significance. Review status: criteria provided, multiple submitters, no conflicts (2 of 4 stars). 3 submissions from 3 submitters: Uncertain significance (3). Last evaluated 2026-04-23.

Allele frequency attached by ClinVar (database versions not stated): TOPMed 0.00006; gnomAD exomes 0.00007; 1000 Genomes Project 0.00020.
gnomAD v4.1: 70 of 1,491,558 alleles (0.0047%); highest among the groups gnomAD compares: East Asian, 0.17%; no homozygotes.

Submissions (3):

GeneDx
Classification: Uncertain significance. Last evaluated: 2026-04-23. Review status: criteria provided, single submitter. Criteria: GeneDx Variant Classification Process June 2021. Collection method: clinical testing. Allele origin: germline.
Comment: Has not been previously published as pathogenic or benign to our knowledge; In silico analysis does not support a benign or deleterious effect of this variant on protein structure/function

Blueprint Genetics
Classification: Uncertain significance. Last evaluated: 2024-11-15. Review status: criteria provided, single submitter. Criteria: ACMG Guidelines, 2015. Collection method: clinical testing. Allele origin: germline.

Labcorp Genetics (formerly Invitae), Labcorp
Classification: Uncertain significance. Last evaluated: 2022-06-27. Review status: criteria provided, single submitter. Criteria: Invitae Variant Classification Sherloc (09022015). Collection method: clinical testing. Allele origin: germline.
Comment: In summary, the available evidence is currently insufficient to determine the role of this variant in disease. Therefore, it has been classified as a Variant of Uncertain Significance. Algorithms developed to predict the effect of missense changes on protein structure and function output the following: SIFT: "Tolerated"; PolyPhen-2: "Not Available"; Align-GVGD: "Class C0". The histidine amino acid residue is found in multiple mammalian species, which suggests that this missense change does not adversely affect protein function. ClinVar contains an entry for this variant (Variation ID: 858902). This variant has not been reported in the literature in individuals affected with PDZD7-related conditions. This variant is present in population databases (rs564438989, gnomAD 0.08%). This sequence change replaces arginine, which is basic and polar, with histidine, which is basic and polar, at codon 779 of the PDZD7 protein (p.Arg779His).